The following is an entry in ClinVar:

ClinVar aggregate classification (germline): Uncertain significance (1 of 4 stars; one submission).

Allele frequency attached by ClinVar (database versions not stated): 1000 Genomes Project 30x 0.00031.
gnomAD v4.1: 11 of 1,606,170 alleles (0.00068%); highest among the groups gnomAD compares: African/African-American, 0.012%; no homozygotes.

Submission:

Labcorp Genetics (formerly Invitae), Labcorp
Classification: Uncertain significance. Last evaluated: 2025-06-30. Review status: criteria provided, single submitter. Criteria: Invitae Variant Classification Sherloc (09022015). Collection method: clinical testing. Allele origin: germline.
Comment: This sequence change replaces lysine, which is basic and polar, with glutamic acid, which is acidic and polar, at codon 296 of the MDH2 protein (p.Lys296Glu). This variant is present in population databases (rs201419515, gnomAD 0.01%). This variant has not been reported in the literature in individuals affected with MDH2-related conditions. ClinVar contains an entry for this variant (Variation ID: 1510644). An algorithm developed to predict the effect of missense changes on protein structure and function (PolyPhen-2) suggests that this variant is likely to be tolerated. In summary, the available evidence is currently insufficient to determine the role of this variant in disease. Therefore, it has been classified as a Variant of Uncertain Significance.

NM_005918.4(MDH2):c.886A>G (p.Lys296Glu)

Gene: MDH2 (malate dehydrogenase 2; plus strand). Cytogenetic location: 7q11.23.
Variant type: single nucleotide variant.
Coding change: c.886A>G on transcript NM_005918.4 (MANE Select); coding-DNA position 886, A replaced by G.
Protein change: p.Lys296Glu; replaces lysine 296 with glutamic acid.
Molecular consequence: missense variant.
Genome position (GRCh38, 1-based): chr7:76,066,279, A>G. VCF-style: chr7-76066279-A-G. GRCh37 (hg19) VCF-style: chr7-75695597-A-G.
Other names: c.760A>G, p.Lys254Glu (NM_001282403.2); c.565A>G, p.Lys189Glu (NM_001282404.2); short protein forms K189E, K296E, K254E.
Identifiers: ClinVar variation 1510644 (VCV001510644.4), dbSNP rs201419515, ClinGen allele CA4305759.